The following is an entry in ClinVar:

NM_016180.5(SLC45A2):c.529_531del (p.Glu177del)

Gene: SLC45A2 (solute carrier family 45 member 2; minus strand). Cytogenetic location: 5p13.2.
Variant type: Deletion.
Coding change: c.529_531del on transcript NM_016180.5 (MANE Select); coding-DNA positions 529 to 531, 3 bases deleted (GAG; older notation c.529_531delGAG).
Protein change: p.Glu177del; deletes glutamic acid 177.
Molecular consequence: inframe deletion.
Genome position (GRCh38, 1-based): chr5:33,982,267-33,982,269, CTC deleted on the plus strand (GAG on the coding strand, the reverse complement: SLC45A2 is on the minus strand); deleting any 3 consecutive bases within chr5:33,982,267-33,982,271 gives the same sequence; the c. name uses the placement nearest the transcript's 3' end. VCF-style (leftmost placement, unchanged base first): chr5-33982266-TCTC-T. GRCh37 (hg19) VCF-style: chr5-33982371-TCTC-T.
Other names: NM_001297417.4:c.529_531del; c.529_531del, p.Glu177del (NM_001012509.4, NM_001297417.4); short protein forms E177del.
Identifiers: ClinVar variation 1338591 (VCV001338591.6), dbSNP rs779024478, ClinGen allele CA3225778.

ClinVar aggregate classification (germline): Uncertain significance. Review status: criteria provided, multiple submitters, no conflicts (2 of 4 stars). 3 submissions from 3 submitters: Uncertain significance (3). Last evaluated 2026-08-26.

Conditions:
SKIN/HAIR/EYE PIGMENTATION 5, BLACK/NONBLACK HAIR (SHEP5). Also called: SKIN/HAIR/EYE PIGMENTATION, VARIATION IN, 5; SKIN/HAIR/EYE PIGMENTATION 5, DARK/FAIR SKIN; SKIN/HAIR/EYE PIGMENTATION 5, DARK/LIGHT EYES. Identifiers: MedGen C2673584, OMIM 227240.
Oculocutaneous albinism type 4 (OCA4). Also called: Albinism, oculocutaneous, type IV. Identifiers: Orphanet 79435, MedGen C1847836, MONDO:0011683, OMIM 606574.

Submissions (3):

Broad Center for Mendelian Genomics, Broad Institute of MIT and Harvard
Classification: Uncertain significance for Oculocutaneous albinism type 4. Last evaluated: 2026-08-26. Review status: criteria provided, single submitter. Criteria: ACMG Guidelines, 2015. Collection method: research. Allele origin: germline. Inheritance: Autosomal recessive inheritance. Study: GREGoR Consortium.
Comment: Trio genome analysis revealed that this variant was in trans with the likely pathogenic variant. The p.Glu177del variant has not been previously reported in the literature in individuals with oculocutaneous albinism type 4, and has been identified in 0.008% (5/62474) of Remaining chromosomes by the Genome Aggregation Database (gnomAD; dbSNP rs779024478). Although this variant has been seen in the general population in a heterozygous state, its frequency is low enough to be consistent with a recessive carrier frequency. This variant has been reported in ClinVar (Variation ID:1338591) and has been interpreted as a variant of uncertain significance by Genetic Services Laboratory, University of Chicago and Fulgent Genetics. This variant is a deletion of 1 amino acid at position 177 and is not predicted to alter the protein reading-frame. This deletion is expected to impact the protein. In summary, the clinical significance of the p.Glu177del variant is uncertain. ACMG/AMP Criteria applied: PM2_supporting, PM4_supporting (Richards 2015).

Fulgent Genetics
Classification: Uncertain significance for SKIN/HAIR/EYE PIGMENTATION 5, BLACK/NONBLACK HAIR; Oculocutaneous albinism type 4. Last evaluated: 2024-01-18. Review status: criteria provided, single submitter. Criteria: ACMG Guidelines, 2015. Collection method: clinical testing. Allele origin: germline.

Genetic Services Laboratory, University of Chicago
Classification: Uncertain significance. Last evaluated: 2020-06-12. Review status: criteria provided, single submitter. Criteria: ACMG Guidelines, 2015. Collection method: clinical testing. Allele origin: germline. Affected: no.
Comment: This sequence change of the SLC45A2 gene demonstrated a three base pair deletion in exon 2, c.529_531del. This in-frame deletion is predicted to result in the deletion of a single amino acid residue, p.Glu177del. This sequence change does not appear to have been previously described in patients with SLC45A2-related disorders and has been described in the gnomAD database in two heterozygous individuals which corresponds to a population frequency of 0.00080% (dbSNP rs779024478). This deletion does not occur in a repetitive region of the protein and affects a highly conserved amino acid. The functional significance of this sequence change is not known at present and its contribution to this patient's disease phenotype cannot definitively be determined.